The following is an entry in ClinVar:

ClinVar aggregate classification (germline): Benign/Likely benign. Review status: criteria provided, multiple submitters, no conflicts (2 of 4 stars). 7 submissions from 7 submitters: Benign (2); Likely benign (3). 2 of the submissions do not count toward it. Last evaluated 2026-01-18.

Conditions:
Woolly hair-skin fragility syndrome (WHSF). Identifiers: Orphanet 293165, MedGen C1843292, MONDO:0957307, OMIM 620415.
Lethal acantholytic epidermolysis bullosa (EBLA). Identifiers: Orphanet 158687, MedGen C1864826, MONDO:0012323, OMIM 609638.
Arrhythmogenic right ventricular dysplasia 8 (ARVD8). Also called: Arrhythmogenic Right Ventricular Dysplasia/Cardiomyopathy 8; ARRHYTHMOGENIC RIGHT VENTRICULAR DYSPLASIA, FAMILIAL, 8; ARRHYTHMOGENIC RIGHT VENTRICULAR CARDIOMYOPATHY 8. Identifiers: MedGen C1843896, MONDO:0011831, OMIM 607450.
Cardiomyopathy, dilated, with wooly hair, keratoderma, and tooth agenesis. Also called: Cardiomyopathy, dilated, with woolly hair, keratoderma, and tooth agenesis; Erythrokeratodermia-cardiomyopathy syndrome. Identifiers: Orphanet 476096, Orphanet 65282, MedGen C4014393, MONDO:0014355, OMIM 615821.
Keratosis palmoplantaris striata 2. Also called: Keratosis palmoplantaris striata II; KERATODERMA, PALMOPLANTAR, STRIATE FORM II; STRIATE PALMOPLANTAR KERATODERMA II. Identifiers: MedGen C1852127, MONDO:0013034, OMIM 612908.
Arrhythmogenic cardiomyopathy with wooly hair and keratoderma. Also called: Dilated cardiomyopathy with woolly hair and keratoderma; PALMOPLANTAR KERATODERMA WITH LEFT VENTRICULAR CARDIOMYOPATHY AND WOOLLY HAIR; Carvajal syndrome; Arrhythmogenic cardiomyopathy with woolly hair and keratoderma. Identifiers: Orphanet 65282, MedGen C1854063, MONDO:0011581, OMIM 605676.

Allele frequency attached by ClinVar (database versions not stated): 1000 Genomes Project 30x 0.00016; 1000 Genomes Project 0.00020; TOPMed 0.00029; ESP Exome Variant Server 0.00062.
gnomAD v4.1: 455 of 1,614,158 alleles (0.028%); highest among the groups gnomAD compares: Admixed American, 0.043%; no homozygotes.

Submissions (7):

Labcorp Genetics (formerly Invitae), Labcorp
Classification: Benign for Arrhythmogenic cardiomyopathy with wooly hair and keratoderma; Arrhythmogenic right ventricular dysplasia 8. Last evaluated: 2026-01-18. Review status: criteria provided, single submitter. Criteria: Invitae Variant Classification Sherloc (09022015). Collection method: clinical testing. Allele origin: germline.

Blueprint Genetics
Classification: Likely benign. Last evaluated: 2023-09-29. Review status: criteria provided, single submitter. Criteria: ACMG Guidelines, 2015. Collection method: clinical testing. Allele origin: germline.

Fulgent Genetics
Classification: Likely benign for Arrhythmogenic cardiomyopathy with wooly hair and keratoderma; Arrhythmogenic right ventricular dysplasia 8; Lethal acantholytic epidermolysis bullosa; Keratosis palmoplantaris striata 2; Cardiomyopathy, dilated, with wooly hair, keratoderma, and tooth agenesis. Last evaluated: 2021-07-29. Review status: criteria provided, single submitter. Criteria: ACMG Guidelines, 2015. Collection method: clinical testing. Allele origin: unknown.

Women's Health and Genetics/Laboratory Corporation of America, LabCorp
Classification: Benign. Last evaluated: 2021-01-21. Review status: criteria provided, single submitter. Criteria: LabCorp Variant Classification Summary - May 2015. Collection method: clinical testing. Allele origin: germline.
Comment: Variant summary: DSP c.2436+16A>G alters a non-conserved nucleotide located close to a canonical splice site and therefore could affect mRNA splicing, leading to a significantly altered protein sequence. 4/4 computational tools predict no significant impact on normal splicing. However, these predictions have yet to be confirmed by functional studies. The variant allele was found at a frequency of 0.00039 in 251394 control chromosomes, predominantly at a frequency of 0.0004 within the Non-Finnish European subpopulation in the gnomAD database. The observed variant frequency within Non-Finnish European control individuals in the gnomAD database is approximately 2-fold the estimated maximal expected allele frequency for a pathogenic variant in DSP causing Arrhythmogenic Right Ventricular Dysplasia/Cardiomyopathy phenotype (0.0002), strongly suggesting that the variant is a benign polymorphism found primarily in populations of Non-Finnish European origin. To our knowledge, no occurrence of c.2436+16A>G in individuals affected with Arrhythmogenic Right Ventricular Dysplasia/Cardiomyopathy and no experimental evidence demonstrating its impact on protein function have been reported. One clinical diagnostic laboratory has submitted clinical-significance assessments for this variant to ClinVar after 2014 without evidence for independent evaluation, citing the variant as likely benign. Based on the evidence outlined above, the variant was classified as benign.

GeneDx
Classification: Likely benign. Last evaluated: 2018-01-17. Review status: criteria provided, single submitter. Criteria: GeneDx Variant Classification (06012015). Collection method: clinical testing. Allele origin: germline. Affected: yes.
Comment: This variant is considered likely benign or benign based on one or more of the following criteria: it is a conservative change, it occurs at a poorly conserved position in the protein, it is predicted to be benign by multiple in silico algorithms, and/or has population frequency not consistent with disease.

Diagnostic Laboratory, Department of Genetics, University Medical Center Groningen
Classification: Likely benign. Review status: no assertion criteria provided. Collection method: clinical testing. Allele origin: germline. Affected: yes. Study: VKGL Data-share Consensus. Not counted in ClinVar's aggregate classification.

Genome Diagnostics Laboratory, University Medical Center Utrecht
Classification: Likely benign. Review status: no assertion criteria provided. Collection method: clinical testing. Allele origin: germline. Affected: yes. Study: VKGL Data-share Consensus. Not counted in ClinVar's aggregate classification.

NM_004415.4(DSP):c.2436+16A>G

Gene: DSP (desmoplakin; plus strand). Cytogenetic location: 6p24.3.
Variant type: single nucleotide variant.
Coding change: c.2436+16A>G on transcript NM_004415.4 (MANE Select); 16 bases into the intron after coding-DNA position 2436, A replaced by G.
Molecular consequence: intron variant.
Genome position (GRCh38, 1-based): chr6:7,574,811, A>G. VCF-style: chr6-7574811-A-G. GRCh37 (hg19) VCF-style: chr6-7575044-A-G.
Other names: c.2436+16A>G (LRG_423t1, NM_001319034.2, NM_001008844.3).
Identifiers: ClinVar variation 377809 (VCV000377809.16), dbSNP rs199555263, ClinGen allele CA033220.